The following is an entry in ClinVar:

NM_198576.4(AGRN):c.4517C>T (p.Ala1506Val)

Gene: AGRN (agrin; plus strand). Cytogenetic location: 1p36.33.
Variant type: single nucleotide variant.
Coding change: c.4517C>T on transcript NM_198576.4 (MANE Select); coding-DNA position 4517, C replaced by T.
Protein change: p.Ala1506Val; replaces alanine 1506 with valine.
Molecular consequence: missense variant.
Genome position (GRCh38, 1-based): chr1:1,049,568, C>T. VCF-style: chr1-1049568-C-T. GRCh37 (hg19) VCF-style: chr1-984948-C-T.
Other names: c.4517C>T, p.Ala1506Val (NM_001305275.2); c.4202C>T, p.Ala1401Val (NM_001364727.2); short protein forms A1506V, A1401V.
Identifiers: ClinVar variation 541164 (VCV000541164.7), dbSNP rs373657385, ClinGen allele CA509520.

ClinVar aggregate classification (germline): Uncertain significance. Review status: criteria provided, multiple submitters, no conflicts (2 of 4 stars). 2 submissions from 2 submitters: Uncertain significance (2). Last evaluated 2022-09-28.

Conditions:
Congenital myasthenic syndrome 8. Also called: MYASTHENIC SYNDROME, CONGENITAL, DUE TO AGRIN DEFICIENCY; Myasthenic syndrome, congenital, 8, with pre- and postsynaptic defects. Identifiers: Orphanet 590, MedGen C3808739, MONDO:0014052, OMIM 615120.

Allele frequency attached by ClinVar (database versions not stated): gnomAD exomes 0.00004 and 0.00008; gnomAD 0.00011; TOPMed 0.00014; ExAC 0.00015; ESP Exome Variant Server 0.00023.
gnomAD v4.1: 75 of 1,589,712 alleles (0.0047%); highest among the groups gnomAD compares: African/African-American, 0.042%; no homozygotes.

Submissions (2):

Labcorp Genetics (formerly Invitae), Labcorp
Classification: Uncertain significance for Congenital myasthenic syndrome 8. Last evaluated: 2022-09-28. Review status: criteria provided, single submitter. Criteria: Invitae Variant Classification Sherloc (09022015). Collection method: clinical testing. Allele origin: germline.
Comment: This sequence change replaces alanine, which is neutral and non-polar, with valine, which is neutral and non-polar, at codon 1506 of the AGRN protein (p.Ala1506Val). This variant is present in population databases (rs373657385, gnomAD 0.05%). This variant has not been reported in the literature in individuals affected with AGRN-related conditions. ClinVar contains an entry for this variant (Variation ID: 541164). Algorithms developed to predict the effect of missense changes on protein structure and function output the following: SIFT: "Tolerated"; PolyPhen-2: "Benign"; Align-GVGD: "Class C0". The valine amino acid residue is found in multiple mammalian species, which suggests that this missense change does not adversely affect protein function. In summary, the available evidence is currently insufficient to determine the role of this variant in disease. Therefore, it has been classified as a Variant of Uncertain Significance.

Revvity Omics, Revvity
Classification: Uncertain significance for Congenital myasthenic syndrome 8. Last evaluated: 2019-05-21. Review status: criteria provided, single submitter. Criteria: ACMG Guidelines, 2015. Collection method: clinical testing. Allele origin: germline.